The following is an entry in ClinVar:

NM_018052.5(VAC14):c.2141C>T (p.Ser714Leu)

Gene: VAC14 (VAC14 component of PIKFYVE complex; minus strand). Cytogenetic location: 16q22.1.
Variant type: single nucleotide variant.
Coding change: c.2141C>T on transcript NM_018052.5 (MANE Select); coding-DNA position 2141, C replaced by T.
Protein change: p.Ser714Leu; replaces serine 714 with leucine.
Molecular consequence: missense variant.
Genome position (GRCh38, 1-based): chr16:70,692,866, G>A on the plus strand (C>T on the coding strand, the complement: VAC14 is on the minus strand). VCF-style: chr16-70692866-G-A. GRCh37 (hg19) VCF-style: chr16-70726769-G-A.
Other names: c.1439C>T, p.Ser480Leu (NM_001351157.2); c.2141C>T (NM_018052.3); short protein forms S480L, S714L.
Identifiers: ClinVar variation 1391137 (VCV001391137.4), dbSNP rs755516693, ClinGen allele CA8147393.

ClinVar aggregate classification (germline): Uncertain significance. Review status: criteria provided, multiple submitters, no conflicts (2 of 4 stars). 2 submissions from 2 submitters: Uncertain significance (2). Last evaluated 2023-04-26.

Conditions:
Inborn genetic diseases. Identifiers: MedGen C0950123, MeSH D030342.

Allele frequency attached by ClinVar (database versions not stated): gnomAD exomes 0.00004; ExAC 0.00008; gnomAD 0.00008 and 0.00009; TOPMed 0.00009.
gnomAD v4.1: 116 of 1,605,398 alleles (0.0072%); highest among the groups gnomAD compares: Middle Eastern, 0.034%; no homozygotes.

Submissions (2):

Ambry Genetics
Classification: Uncertain significance for Inborn genetic diseases. Last evaluated: 2023-04-26. Review status: criteria provided, single submitter. Criteria: Ambry Variant Classification Scheme 2023. Collection method: clinical testing. Allele origin: germline.

Labcorp Genetics (formerly Invitae), Labcorp
Classification: Uncertain significance. Last evaluated: 2022-10-13. Review status: criteria provided, single submitter. Criteria: Invitae Variant Classification Sherloc (09022015). Collection method: clinical testing. Allele origin: germline.
Comment: This sequence change replaces serine, which is neutral and polar, with leucine, which is neutral and non-polar, at codon 714 of the VAC14 protein (p.Ser714Leu). This variant is present in population databases (rs755516693, gnomAD 0.01%). This variant has not been reported in the literature in individuals affected with VAC14-related conditions. ClinVar contains an entry for this variant (Variation ID: 1391137). Advanced modeling of protein sequence and biophysical properties (such as structural, functional, and spatial information, amino acid conservation, physicochemical variation, residue mobility, and thermodynamic stability) performed at Invitae indicates that this missense variant is not expected to disrupt VAC14 protein function. In summary, the available evidence is currently insufficient to determine the role of this variant in disease. Therefore, it has been classified as a Variant of Uncertain Significance.